The following is an entry in ClinVar:

ClinVar aggregate classification (germline): Likely benign (1 of 4 stars; one submission).

Allele frequency attached by ClinVar (database versions not stated): 1000 Genomes Project 30x 0.00016.
gnomAD v4.1: 154 of 1,569,280 alleles (0.0098%); highest among the groups gnomAD compares: Admixed American, 0.12%; 10 homozygotes.

Submission:

CeGaT Center for Human Genetics Tuebingen
Classification: Likely benign. Last evaluated: 2023-12-01. Review status: criteria provided, single submitter. Criteria: CeGaT Center For Human Genetics Tuebingen Variant Classification Criteria Version 2. Collection method: clinical testing. Allele origin: germline. Affected: yes. Observed: 1 variant allele.
Comment: AHNAK2: BP4, BP7, BS2

NM_138420.4(AHNAK2):c.3627T>G (p.Thr1209=)

Gene: AHNAK2 (AHNAK nucleoprotein 2; minus strand). Cytogenetic location: 14q32.33.
Variant type: single nucleotide variant.
Coding change: c.3627T>G on transcript NM_138420.4 (MANE Select); coding-DNA position 3627, T replaced by G.
Protein change: p.Thr1209=; no amino-acid change (threonine 1209 retained).
Molecular consequence: synonymous variant.
Genome position (GRCh38, 1-based): chr14:104,951,824, A>C on the plus strand (T>G on the coding strand, the complement: AHNAK2 is on the minus strand). VCF-style: chr14-104951824-A-C. GRCh37 (hg19) VCF-style: chr14-105418161-A-C.
Other names: c.3327T>G, p.Thr1109= (NM_001350929.2).
Identifiers: ClinVar variation 3025038 (VCV003025038.22), dbSNP rs201390029, ClinGen allele CA7382886.